The following is an entry in ClinVar:

ClinVar aggregate classification (germline): Likely benign (1 of 4 stars; one submission).

gnomAD v4.1: 2,113 of 152,322 alleles (1.4%); highest among the groups gnomAD compares: Non-Finnish European, 2.2%; 37 homozygotes.

Submission:

GeneDx
Classification: Likely benign. Last evaluated: 2021-05-11. Review status: criteria provided, single submitter. Criteria: GeneDx Variant Classification Process June 2021. Collection method: clinical testing. Allele origin: germline. Affected: yes.
Comment: See Variant Classification Assertion Criteria.

NM_006348.5(COG5):c.2296-189G>C

Gene: COG5 (component of oligomeric golgi complex 5; minus strand). Cytogenetic location: 7q22.3.
Variant type: single nucleotide variant.
Coding change: c.2296-189G>C on transcript NM_006348.5 (MANE Select); 189 bases into the intron before coding-DNA position 2296, G replaced by C.
Molecular consequence: intron variant.
Genome position (GRCh38, 1-based): chr7:107,210,794, C>G on the plus strand (G>C on the coding strand, the complement: COG5 is on the minus strand). VCF-style: chr7-107210794-C-G. GRCh37 (hg19) VCF-style: chr7-106851239-C-G.
Other names: c.1582-189G>C (NM_001379516.1); c.1726-189G>C (NM_001379515.1); c.2134-189G>C (NM_001379511.1); c.2122-189G>C (NM_001379512.1); c.2233-189G>C (NM_181733.4); c.1981-189G>C (NM_001379514.1); c.2169-7164G>C (NM_001379513.1); c.2296-189G>C (NM_001161520.2).
Identifiers: ClinVar variation 4813949 (VCV004813949.1).